The following is an entry in ClinVar:

ClinVar aggregate classification (germline): Likely benign. Review status: criteria provided, multiple submitters, no conflicts (2 of 4 stars). 4 submissions from 4 submitters: Likely benign (3). 1 of the submissions does not count toward it. Last evaluated 2025-09-26.

Conditions:
TAF15-related disorder. Also called: TAF15-related condition.

Allele frequency attached by ClinVar (database versions not stated): gnomAD exomes 0.00014 and 0.00027; gnomAD 0.00016 and 0.00014; ExAC 0.00028; ESP Exome Variant Server 0.00077.
gnomAD v4.1: 233 of 1,600,780 alleles (0.015%); highest among the groups gnomAD compares: East Asian, 0.25%; no homozygotes.

Submissions (4):

Ambry Genetics
Classification: Likely benign. Last evaluated: 2025-09-26. Review status: criteria provided, single submitter. Criteria: Ambry Variant Classification Scheme 2023. Collection method: clinical testing. Allele origin: germline.

Labcorp Genetics (formerly Invitae), Labcorp
Classification: Likely benign. Last evaluated: 2019-12-31. Review status: criteria provided, single submitter. Criteria: Invitae Variant Classification Sherloc (09022015). Collection method: clinical testing. Allele origin: germline.

Breakthrough Genomics
Classification: Likely benign. Review status: criteria provided, single submitter. Criteria: ACMG Guidelines, 2015. Collection method: not provided. Allele origin: germline. Inheritance: Unknown mechanism. Affected: yes.

PreventionGenetics, part of Exact Sciences
Classification: Likely benign for TAF15-related condition. Last evaluated: 2022-11-01. Review status: no assertion criteria provided. Collection method: clinical testing. Allele origin: germline. Not counted in ClinVar's aggregate classification.
Comment: This variant is classified as likely benign based on ACMG/AMP sequence variant interpretation guidelines (Richards et al. 2015 PMID: 25741868, with internal and published modifications).

NM_139215.3(TAF15):c.1404A>C (p.Gly468=)

Gene: TAF15 (TATA-box binding protein associated factor 15; plus strand). Cytogenetic location: 17q12.
Variant type: single nucleotide variant.
Coding change: c.1404A>C on transcript NM_139215.3 (MANE Select); coding-DNA position 1404, A replaced by C.
Protein change: p.Gly468=; no amino-acid change (glycine 468 retained).
Molecular consequence: synonymous variant.
Genome position (GRCh38, 1-based): chr17:35,844,703, A>C. VCF-style: chr17-35844703-A-C. GRCh37 (hg19) VCF-style: chr17-34171707-A-C.
Other names: c.1395A>C, p.Gly465= (NM_003487.4); c.1404A>C (NM_139215.1).
Identifiers: ClinVar variation 750955 (VCV000750955.8), dbSNP rs140484493, ClinGen allele CA290041421.